The following is an entry in ClinVar:

ClinVar aggregate classification (germline): Pathogenic (1 of 4 stars; one submission).

Conditions:
Nemaline myopathy 2 (NEM2). Also called: Nemaline myopathy 2, autosomal recessive. Identifiers: MedGen C1850569, MONDO:0009725, OMIM 256030.

Submission:

Myriad Genetics, Inc.
Classification: Pathogenic for Nemaline myopathy 2. Last evaluated: 2026-06-24. Review status: criteria provided, single submitter. Criteria: Myriad Autosomal Dominant, Autosomal Recessive and X-Linked Classification Criteria (2023). Collection method: clinical testing. Allele origin: unknown.
Comment: NM_001271208.1(NEB):c.199delG(E67Rfs*16) is expected to be pathogenic in the context of NEB-related nemaline myopathy. This variant is predicted to lead to an abnormal or absent protein product due to the creation of a premature termination codon in NEB, a gene where loss-of-function variants are known to be pathogenic. Please note: this variant was assessed in the context of healthy population screening.

NM_001164508.2(NEB):c.199del (p.Glu67fs)

Gene: NEB (nebulin; minus strand). Cytogenetic location: 2q23.3.
Variant type: Deletion.
Coding change: c.199del on transcript NM_001164508.2 (MANE Select); coding-DNA position 199, one base deleted (G; older notation c.199delG).
Protein change: p.Glu67fs; shifts the reading frame from glutamic acid 67.
Molecular consequence: frameshift variant.
Genome position (GRCh38, 1-based): chr2:151,727,786, C deleted on the plus strand (G on the coding strand, the reverse complement: NEB is on the minus strand); the first of 2 consecutive C bases (chr2:151,727,786-151,727,787); deleting either gives the same sequence. VCF-style (leftmost placement, unchanged base first): chr2-151727785-TC-T. GRCh37 (hg19) VCF-style: chr2-152584299-TC-T.
Other names: c.199del, p.Glu67fs (NM_001164507.2, NM_001271208.2, NM_004543.5); short protein forms E67fs.
Identifiers: ClinVar variation 5016074 (VCV005016074.1).